The following is an entry in ClinVar:

ClinVar aggregate classification (germline): Uncertain significance (1 of 4 stars; one submission).

Allele frequency attached by ClinVar (database versions not stated): gnomAD 0.00001.
gnomAD v4.1: 1 of 1,602,864 alleles (0.000062%); highest among the groups gnomAD compares: African/African-American, 0.0013%; no homozygotes.

Submission:

Ambry Genetics
Classification: Uncertain significance. Last evaluated: 2022-10-27. Review status: criteria provided, single submitter. Criteria: Ambry Variant Classification Scheme 2023. Collection method: clinical testing. Allele origin: germline.
Comment: The p.G1681V variant (also known as c.5042G>T), located in coding exon 37 of the MYOM1 gene, results from a G to T substitution at nucleotide position 5042. The glycine at codon 1681 is replaced by valine, an amino acid with dissimilar properties. This amino acid position is conserved. In addition, this alteration is predicted to be tolerated by in silico analysis. Since supporting evidence is limited at this time, the clinical significance of this alteration remains unclear.

NM_003803.4(MYOM1):c.5042G>T (p.Gly1681Val)

Gene: MYOM1 (myomesin 1; minus strand). Cytogenetic location: 18p11.31.
Variant type: single nucleotide variant.
Coding change: c.5042G>T on transcript NM_003803.4 (MANE Select); coding-DNA position 5042, G replaced by T.
Protein change: p.Gly1681Val; replaces glycine 1681 with valine.
Molecular consequence: missense variant.
Genome position (GRCh38, 1-based): chr18:3,067,278, C>A on the plus strand (G>T on the coding strand, the complement: MYOM1 is on the minus strand). VCF-style: chr18-3067278-C-A. GRCh37 (hg19) VCF-style: chr18-3067276-C-A.
Other names: c.4754G>T, p.Gly1585Val (NM_019856.2); short protein forms G1585V, G1681V.
Identifiers: ClinVar variation 1744960 (VCV001744960.2), dbSNP rs1486950790, ClinGen allele CA401704641.
Genomic context (GRCh38, chr18:3,067,278, plus strand): 5'-ACACCCAAGTCACACAGGCCGGCTGGCTCTCCTCGCACCTCCGGTCACTTGGCCTTCTTG[C>A]CACCTTTCAGGGACTCCAAGGCGGCCATCCTCGCCTCCTCCTCTGGGATGAACACGCTGA-3'
Protein context (NP_003794.3, residues 1671-1685): RMAALESLKG[Gly1681Val]KKAK